The following is an entry in ClinVar:

NM_001042492.3(NF1):c.5539C>G (p.Pro1847Ala)

Gene: NF1 (neurofibromin 1; plus strand). Cytogenetic location: 17q11.2.
Variant type: single nucleotide variant.
Coding change: c.5539C>G on transcript NM_001042492.3 (MANE Select); coding-DNA position 5539, C replaced by G.
Protein change: p.Pro1847Ala; replaces proline 1847 with alanine.
Molecular consequence: missense variant.
Genome position (GRCh38, 1-based): chr17:31,327,769, C>G. VCF-style: chr17-31327769-C-G. GRCh37 (hg19) VCF-style: chr17-29654787-C-G.
Other names: c.5476C>G, p.Pro1826Ala (NM_000267.4); short protein forms P1826A, P1847A.
Identifiers: ClinVar variation 1036210 (VCV001036210.5), dbSNP rs2069384394, ClinGen allele CA399009811.

ClinVar aggregate classification (germline): Uncertain significance (1 of 4 stars; one submission).

Conditions:
Neurofibromatosis, type 1 (NF1). Also called: NEUROFIBROMATOSIS, TYPE I, SOMATIC; VON RECKLINGHAUSEN DISEASE; Peripheral type neurofibromatosis; Neurofibromatosis, type I. Identifiers: Orphanet 636, MedGen C0027831, MONDO:0018975, OMIM 162200. Disease mechanism: loss of function.

Submission:

Labcorp Genetics (formerly Invitae), Labcorp
Classification: Uncertain significance for Neurofibromatosis, type 1. Last evaluated: 2022-06-04. Review status: criteria provided, single submitter. Criteria: Invitae Variant Classification Sherloc (09022015). Collection method: clinical testing. Allele origin: germline.
Comment: Algorithms developed to predict the effect of missense changes on protein structure and function are either unavailable or do not agree on the potential impact of this missense change (SIFT: "Tolerated"; PolyPhen-2: "Probably Damaging"; Align-GVGD: "Class C0"). ClinVar contains an entry for this variant (Variation ID: 1036210). This variant has not been reported in the literature in individuals affected with NF1-related conditions. This variant is not present in population databases (gnomAD no frequency). This sequence change replaces proline, which is neutral and non-polar, with alanine, which is neutral and non-polar, at codon 1826 of the NF1 protein (p.Pro1826Ala). In summary, the available evidence is currently insufficient to determine the role of this variant in disease. Therefore, it has been classified as a Variant of Uncertain Significance.